The following is an entry in ClinVar:

ClinVar aggregate classification (germline): Uncertain significance. Review status: criteria provided, multiple submitters, no conflicts (2 of 4 stars). 2 submissions from 2 submitters: Uncertain significance (2). Last evaluated 2024-05-08.

Conditions:
Upshaw-Schulman syndrome (TTP). Also called: THROMBOTIC THROMBOCYTOPENIC PURPURA, HEREDITARY; Congenital thrombotic thrombocytopenic purpura. Identifiers: Orphanet 93583, MedGen C1268935, MONDO:0010122, OMIM 274150.

Allele frequency attached by ClinVar (database versions not stated): gnomAD 0.00003; ExAC 0.00004; gnomAD exomes 0.00006; TOPMed 0.00006.
gnomAD v4.1: 93 of 1,604,366 alleles (0.0058%); highest among the groups gnomAD compares: South Asian, 0.022%; 1 homozygote.

Submissions (2):

Fulgent Genetics
Classification: Uncertain significance for Upshaw-Schulman syndrome. Last evaluated: 2024-05-08. Review status: criteria provided, single submitter. Criteria: ACMG Guidelines, 2015. Collection method: clinical testing. Allele origin: germline.

Labcorp Genetics (formerly Invitae), Labcorp
Classification: Uncertain significance. Last evaluated: 2022-06-05. Review status: criteria provided, single submitter. Criteria: Invitae Variant Classification Sherloc (09022015). Collection method: clinical testing. Allele origin: germline.
Comment: This sequence change replaces arginine, which is basic and polar, with glutamine, which is neutral and polar, at codon 943 of the ADAMTS13 protein (p.Arg943Gln). This variant is present in population databases (rs782160285, gnomAD 0.03%). This variant has not been reported in the literature in individuals affected with ADAMTS13-related conditions. Algorithms developed to predict the effect of missense changes on protein structure and function output the following: SIFT: "Tolerated"; PolyPhen-2: "Benign"; Align-GVGD: "Class C0". The glutamine amino acid residue is found in multiple mammalian species, which suggests that this missense change does not adversely affect protein function. In summary, the available evidence is currently insufficient to determine the role of this variant in disease. Therefore, it has been classified as a Variant of Uncertain Significance.

NM_139027.6(ADAMTS13):c.2828G>A (p.Arg943Gln)

Gene: ADAMTS13 (ADAM metallopeptidase with thrombospondin type 1 motif 13; plus strand). Cytogenetic location: 9q34.2.
Variant type: single nucleotide variant.
Coding change: c.2828G>A on transcript NM_139027.6 (MANE Select); coding-DNA position 2828, G replaced by A.
Protein change: p.Arg943Gln; replaces arginine 943 with glutamine.
Molecular consequence: missense variant. On other transcripts: non-coding transcript variant (1).
Genome position (GRCh38, 1-based): chr9:133,448,695, G>A. VCF-style: chr9-133448695-G-A. GRCh37 (hg19) VCF-style: chr9-136313816-G-A.
Other names: c.2828G>A, p.Arg943Gln (NM_139025.5); c.2735G>A, p.Arg912Gln (NM_139026.6); short protein forms R943Q, R912Q.
Identifiers: ClinVar variation 2027332 (VCV002027332.2), dbSNP rs782160285, ClinGen allele CA200939082.